The following is an entry in ClinVar:

NM_000069.3(CACNA1S):c.4442G>A (p.Gly1481Asp)

Gene: CACNA1S (calcium voltage-gated channel subunit alpha1 S; minus strand). Cytogenetic location: 1q32.1.
Variant type: single nucleotide variant.
Coding change: c.4442G>A on transcript NM_000069.3 (MANE Select); coding-DNA position 4442, G replaced by A.
Protein change: p.Gly1481Asp; replaces glycine 1481 with aspartic acid.
Molecular consequence: missense variant.
Genome position (GRCh38, 1-based): chr1:201,047,626, C>T on the plus strand (G>A on the coding strand, the complement: CACNA1S is on the minus strand). VCF-style: chr1-201047626-C-T. GRCh37 (hg19) VCF-style: chr1-201016754-C-T.
Other names: short protein forms G1481D.
Identifiers: ClinVar variation 2928540 (VCV002928540.3), dbSNP rs2464431707, ClinGen allele CA344143638.
Genomic context (GRCh38, chr1:201,047,626, plus strand): 5'-GTTCTCTTCCAGATCTTCTTGATGATGGCCCTCAGCTCCTCGTTGGCCTGCTCAAAGTTA[C>T]CTGGAGCAGGAGAAAGGCAAAAGTTACCCAGATCACACCAACTGCACTTGACAAGGCCAC-3'
Protein context (NP_000060.2, residues 1471-1491): VRTALKIKTE[Gly1481Asp]NFEQANEELR

ClinVar aggregate classification (germline): Uncertain significance (1 of 4 stars; one submission).

Conditions:
Malignant hyperthermia, susceptibility to, 5 (MHS5). Also called: CACNA1S-Related Malignant Hyperthermia Susceptibility. Identifiers: Orphanet 423, MedGen C1866077, MONDO:0011163, OMIM 601887.
Hypokalemic periodic paralysis, type 1. Also called: Hypokalemic Periodic Paralysis Type 1 (AD); HypoPP. Identifiers: Orphanet 681, MedGen C3714580, MONDO:0042979, OMIM 170400.

Allele frequency attached by ClinVar (database versions not stated): gnomAD exomes below 0.00001.
gnomAD v4.1: 4 of 1,613,328 alleles (0.00025%); highest among the groups gnomAD compares: Non-Finnish European, 0.00034%; no homozygotes.

Submission:

Labcorp Genetics (formerly Invitae), Labcorp
Classification: Uncertain significance for Hypokalemic periodic paralysis, type 1; Malignant hyperthermia, susceptibility to, 5. Last evaluated: 2023-08-16. Review status: criteria provided, single submitter. Criteria: Invitae Variant Classification Sherloc (09022015). Collection method: clinical testing. Allele origin: germline.
Comment: This sequence change replaces glycine, which is neutral and non-polar, with aspartic acid, which is acidic and polar, at codon 1481 of the CACNA1S protein (p.Gly1481Asp). In summary, the available evidence is currently insufficient to determine the role of this variant in disease. Therefore, it has been classified as a Variant of Uncertain Significance. An algorithm developed to predict the effect of missense changes on protein structure and function (PolyPhen-2) suggests that this variant is likely to be disruptive. This variant has not been reported in the literature in individuals affected with CACNA1S-related conditions. This variant is not present in population databases (gnomAD no frequency).